The following is an entry in ClinVar:

NM_018942.3(HMX1):c.632C>A (p.Ser211Tyr)

Gene: HMX1 (H6 family homeobox 1; minus strand). Cytogenetic location: 4p16.1.
Variant type: single nucleotide variant.
Coding change: c.632C>A on transcript NM_018942.3 (MANE Select); coding-DNA position 632, C replaced by A.
Protein change: p.Ser211Tyr; replaces serine 211 with tyrosine.
Molecular consequence: missense variant. On other transcripts: intron variant (1).
Genome position (GRCh38, 1-based): chr4:8,868,108, G>T on the plus strand (C>A on the coding strand, the complement: HMX1 is on the minus strand). VCF-style: chr4-8868108-G-T. GRCh37 (hg19) VCF-style: chr4-8869834-G-T.
Other names: c.394+3113C>A (NM_001306142.2); short protein forms S211Y.
Identifiers: ClinVar variation 1481165 (VCV001481165.8), dbSNP rs2109473306, ClinGen allele CA356278155.

ClinVar aggregate classification (germline): Uncertain significance (1 of 4 stars; one submission).

Submission:

Labcorp Genetics (formerly Invitae), Labcorp
Classification: Uncertain significance. Last evaluated: 2021-01-08. Review status: criteria provided, single submitter. Criteria: Invitae Variant Classification Sherloc (09022015). Collection method: clinical testing. Allele origin: germline.
Comment: In summary, the available evidence is currently insufficient to determine the role of this variant in disease. Therefore, it has been classified as a Variant of Uncertain Significance. Algorithms developed to predict the effect of missense changes on protein structure and function (SIFT, PolyPhen-2, Align-GVGD) all suggest that this variant is likely to be disruptive, but these predictions have not been confirmed by published functional studies and their clinical significance is uncertain. This variant has not been reported in the literature in individuals with HMX1-related conditions. The frequency data for this variant in the population databases is considered unreliable, as metrics indicate insufficient coverage at this position in the ExAC database. This sequence change replaces serine with tyrosine at codon 211 of the HMX1 protein (p.Ser211Tyr). The serine residue is highly conserved and there is a large physicochemical difference between serine and tyrosine.